The following is an entry in ClinVar:

NM_000540.3(RYR1):c.9152G>A (p.Arg3051His)

Gene: RYR1 (ryanodine receptor 1; plus strand). Cytogenetic location: 19q13.2.
Variant type: single nucleotide variant.
Coding change: c.9152G>A on transcript NM_000540.3 (MANE Select); coding-DNA position 9152, G replaced by A.
Protein change: p.Arg3051His; replaces arginine 3051 with histidine.
Molecular consequence: missense variant.
Genome position (GRCh38, 1-based): chr19:38,511,590, G>A. VCF-style: chr19-38511590-G-A. GRCh37 (hg19) VCF-style: chr19-39002230-G-A.
Other names: NM_000540.2(RYR1):c.9152G>A; p.Arg3051His; c.9152G>A, p.Arg3051His (NM_001042723.2); short protein forms R3051H.
Identifiers: ClinVar variation 544516 (VCV000544516.62), dbSNP rs147303895, ClinGen allele CA073266.

ClinVar aggregate classification (germline): Uncertain significance. Review status: reviewed by expert panel (3 of 4 stars). 13 submissions from 12 submitters: Uncertain significance (1). 12 of the submissions do not count toward it. Last evaluated 2025-08-01.

Conditions:
Central core myopathy (CMYO1A). Also called: CONGENITAL MYOPATHY 1A, AUTOSOMAL DOMINANT, WITH SUSCEPTIBILITY TO MALIGNANT HYPERTHERMIA; Central core disease; Myopathy, central fibrillar. Identifiers: Orphanet 597, MedGen C5830701, MONDO:0007294, OMIM 117000.
Congenital multicore myopathy with external ophthalmoplegia (CMYO1B). Also called: MULTICORE MYOPATHY; Minicore myopathy with external ophthalmoplegia; Congenital myopathy 1B, autosomal recessive; Minicore myopathy; MULTIMINICORE DISEASE WITH EXTERNAL OPHTHALMOPLEGIA. Identifiers: Orphanet 598, Orphanet 98905, MedGen C1850674, MONDO:0009712, OMIM 255320, HP:0003789.
King Denborough syndrome (KDS). Identifiers: MedGen C1840365, MONDO:0020485, OMIM 619542.
Malignant hyperthermia, susceptibility to, 1 (MHS1). Also called: RYR1-Related Malignant Hyperthermia Susceptibility; Anesthesia related hyperthermia; Malignant hyperpyrexia; Fulminating hyperpyrexia; Pharmacogenic myopathy; Malignant hyperthermia suceptibility 1. Identifiers: Orphanet 423, MedGen C2930980, MONDO:0007783, OMIM 145600.
RYR1-related disorder. Also called: RYR1-related disorders; RYR1-related condition. Identifiers: MedGen CN239331.
Congenital myopathy with fiber type disproportion. Also called: Congenital fiber-type disproportion myopathy; Congenital fiber-type disproportion. Identifiers: Orphanet 2020, MedGen C0546264, MONDO:0009711. Inheritance: all.
Malignant hyperthermia of anesthesia. Also called: Anesthesic-triggered malignant hyperthermia. Identifiers: Orphanet 423, MedGen C0024591, MONDO:0018493, HP:0034733.

Allele frequency attached by ClinVar (database versions not stated): gnomAD exomes 0.00010 and 0.00025; TOPMed 0.00010; gnomAD 0.00011 and 0.00013; ESP Exome Variant Server 0.00015; ExAC 0.00020.
gnomAD v4.1: 173 of 1,613,708 alleles (0.011%); highest among the groups gnomAD compares: Non-Finnish European, 0.0017%; 1 homozygote.

Submissions (13):

ClinGen Malignant Hyperthermia Susceptibility Variant Curation Expert Panel, ClinGen
Classification: Uncertain significance for Malignant hyperthermia of anesthesia. Last evaluated: 2025-08-01. Review status: reviewed by expert panel. Criteria: ClinGen MHS ACMG Specifications V2. Collection method: curation. Allele origin: germline. Inheritance: Autosomal dominant inheritance.
Comment: This pathogenicity assessment is relevant only for malignant hyperthermia susceptibility (MHS) inherited in an autosomal dominant pattern. Variants in RYR1 can also cause other myopathies inherited in an autosomal dominant pattern or in an autosomal recessive pattern. Some of these disorders may predispose individuals to malignant hyperthermia. RYR1 variants may also contribute to a malignant hyperthermia reaction in combination with other genetic and non-genetic factors and the clinician needs to consider such factors in making management decisions. This sequence variant predicts a substitution of arginine with histidine at codon 3051 of the RYR1 protein, p.(Arg3051His). The maximum allele frequency for this variant among the six major gnomAD populations is NFE: 0.0000929, a frequency consistent with pathogenicity for MHS. This variant has been reported in two unrelated individuals who have a personal or family history of a malignant hyperthermia reaction, both of these individuals had a positive in vitro contracture test (IVCT) or caffeine halothane contracture test (CHCT) result (if the proband was unavailable for testing, a positive diagnostic test result in a mutation-positive relative was counted)( PMID:30236257 ). However, the high MAF in the Ashkenazi Jewish population in gnomAD (0.0046) precludes the use of PS4. No functional studies were identified for this variant. This variant does not reside in a hotspot for pathogenic variants that contribute to MHS. A REVEL score of 0.581 supports neither a pathogenic nor a benign status for this variant. This variant has been classified as a Variant of Unknown Significance. No criteria implemented.

GeneDx
Classification: Uncertain significance. Last evaluated: 2026-09-06. Review status: criteria provided, single submitter. Criteria: GeneDx Variant Classification Process June 2021. Collection method: clinical testing. Allele origin: germline. Not counted in ClinVar's aggregate classification.
Comment: Identified in patients with malignant hyperthermia in published literature; however, functional characterization of the variant was not completed (PMID: 41753076, 30236257); In silico analysis supports that this missense variant has a deleterious effect on protein structure/function; This variant is associated with the following publications: (PMID: 37937776, 12668474, 41753076, 30236257)

PreventionGenetics, part of Exact Sciences
Classification: Uncertain significance for RYR1-related condition. Last evaluated: 2026-07-17. Review status: criteria provided, single submitter. Criteria: ACMG Guidelines, 2015. Collection method: clinical testing. Allele origin: germline. Not counted in ClinVar's aggregate classification.
Comment: The RYR1 c.9152G>A variant is predicted to result in the amino acid substitution p.Arg3051His. This variant has been reported in individuals with malignant hyperthermia (Table S1, Miller et al. 2018. PubMed ID: 30236257). This variant is reported in 0.46% of alleles in individuals of Ashkenazi Jewish descent in gnomAD. This variant is interpreted as uncertain significance by ClinGen Malignant Hyperthermia Susceptibility Variant Curation Expert Panel. Although we suspect that this variant may be benign, at this time, the clinical significance of this variant is uncertain due to the absence of conclusive functional and genetic evidence.

Labcorp Genetics (formerly Invitae), Labcorp
Classification: Benign for RYR1-related disorder. Last evaluated: 2026-01-22. Review status: criteria provided, single submitter. Criteria: Invitae Variant Classification Sherloc (09022015). Collection method: clinical testing. Allele origin: germline. Not counted in ClinVar's aggregate classification.

Revvity Omics, Revvity
Classification: Uncertain significance. Last evaluated: 2025-08-07. Review status: criteria provided, single submitter. Criteria: ACMG Guidelines, 2015. Collection method: clinical testing. Allele origin: germline. Not counted in ClinVar's aggregate classification.

All of Us Research Program, National Institutes of Health
Classification: Likely benign for Malignant hyperthermia, susceptibility to, 1. Last evaluated: 2024-02-05. Review status: criteria provided, single submitter. Criteria: ACMG Guidelines, 2015. Collection method: clinical testing. Allele origin: germline. Inheritance: Autosomal dominant inheritance. Observed: 49 variant alleles, 49 heterozygotes. Not counted in ClinVar's aggregate classification.
Comment: This study involves interpretation of variants in research participants for the purpose of population health screening. Participant phenotype was not available at the time of variant classification. Additional details can be found in publication PMID: 35346344, PMCID: PMC8962531

Women's Health and Genetics/Laboratory Corporation of America, LabCorp
Classification: Likely benign. Last evaluated: 2023-12-05. Review status: criteria provided, single submitter. Criteria: LabCorp Variant Classification Summary - May 2015. Collection method: clinical testing. Allele origin: germline. Not counted in ClinVar's aggregate classification.
Comment: Variant summary: RYR1 c.9152G>A (p.Arg3051His) results in a non-conservative amino acid change in the encoded protein sequence. Four of five in-silico tools predict a damaging effect of the variant on protein function. The variant allele was found at a frequency of 0.00011 in 1613708 control chromosomes in the gnomAD database, including 1 homozygote. The observed variant frequency is approximately equal to the estimated maximal expected allele frequency for a pathogenic variant in RYR1 causing Malignant Hyperthermia Susceptibility phenotype (8.8e-05), and is found predominantly at a frequency of 0.0041 in the Ashkenazi Jewish subpopulation, suggesting that the variant is likely benign. c.9152G>A has been reported in the literature in individuals with Malignant Hyperthermia Susceptibility from two unrelated families, without strong evidence for causality (Miller_2018). This report does not provide unequivocal conclusions about association of the variant with Malignant Hyperthermia Susceptibility. To our knowledge, no experimental evidence demonstrating an impact on protein function has been reported. The following publication has been ascertained in the context of this evaluation (PMID: 30236257). Eight submitters have cited clinical-significance assessments for this variant to ClinVar after 2014. Seven classified the variant as uncertain significance and one classified it as benign. Based on the evidence outlined above, the variant was classified as likely benign.

Color Diagnostics, LLC DBA Color Health
Classification: Likely benign for Malignant hyperthermia, susceptibility to, 1. Last evaluated: 2023-03-16. Review status: criteria provided, single submitter. Criteria: ACMG Guidelines, 2015. Collection method: clinical testing. Allele origin: germline. Not counted in ClinVar's aggregate classification.

CeGaT Center for Human Genetics Tuebingen
Classification: Uncertain significance. Last evaluated: 2023-01-01. Review status: criteria provided, single submitter. Criteria: CeGaT Center For Human Genetics Tuebingen Variant Classification Criteria Version 2. Collection method: clinical testing. Allele origin: germline. Affected: yes. Observed: 1 variant allele. Not counted in ClinVar's aggregate classification.

Department of Pathology and Laboratory Medicine, Sinai Health System
Classification: Uncertain significance for Central core myopathy; Malignant hyperthermia, susceptibility to, 1; Congenital multicore myopathy with external ophthalmoplegia; King Denborough syndrome. Last evaluated: 2022-02-04. Review status: criteria provided, single submitter. Criteria: ACMG Guidelines, 2015. Collection method: research. Allele origin: germline. Not counted in ClinVar's aggregate classification.

Fulgent Genetics
Classification: Uncertain significance for Central core myopathy; Malignant hyperthermia, susceptibility to, 1; Congenital myopathy 4A, autosomal dominant; Congenital multicore myopathy with external ophthalmoplegia; King Denborough syndrome. Last evaluated: 2021-08-30. Review status: criteria provided, single submitter. Criteria: ACMG Guidelines, 2015. Collection method: clinical testing. Allele origin: unknown. Not counted in ClinVar's aggregate classification.

Illumina Laboratory Services, Illumina
Classification: Uncertain significance for Malignant hyperthermia, susceptibility to, 1. Last evaluated: 2018-01-13. Review status: criteria provided, single submitter. Criteria: ICSL Variant Classification Criteria 13 December 2019. Collection method: clinical testing. Allele origin: germline. Not counted in ClinVar's aggregate classification.

Illumina Laboratory Services, Illumina
Classification: Uncertain significance for Congenital multicore myopathy with external ophthalmoplegia. Last evaluated: 2018-01-13. Review status: criteria provided, single submitter. Criteria: ICSL Variant Classification Criteria 13 December 2019. Collection method: clinical testing. Allele origin: germline. Not counted in ClinVar's aggregate classification.

Literature cited by the submitters: PubMed 30236257 (cited by Women's Health and Genetics/Laboratory Corporation of America, LabCorp).